The following is an entry in ClinVar:

ClinVar aggregate classification (germline): Uncertain significance (1 of 4 stars; one submission).

Conditions:
Cardiovascular phenotype. Identifiers: MedGen CN230736.

Allele frequency attached by ClinVar (database versions not stated): gnomAD exomes below 0.00001.
gnomAD v4.1: 1 of 1,612,950 alleles (0.000062%); highest among the groups gnomAD compares: Admixed American, 0.0017%; no homozygotes.

Submission:

Ambry Genetics
Classification: Uncertain significance for Cardiovascular phenotype. Last evaluated: 2023-07-14. Review status: criteria provided, single submitter. Criteria: Ambry Variant Classification Scheme 2023. Collection method: clinical testing. Allele origin: germline.
Comment: The p.G1670E variant (also known as c.5009G>A), located in coding exon 8 of the ALMS1 gene, results from a G to A substitution at nucleotide position 5009. The glycine at codon 1670 is replaced by glutamic acid, an amino acid with similar properties. This amino acid position is poorly conserved in available vertebrate species. In addition, this alteration is predicted to be tolerated by in silico analysis. Since supporting evidence is limited at this time, the clinical significance of this alteration remains unclear.

NM_001378454.1(ALMS1):c.5006G>A (p.Gly1669Glu)

Gene: ALMS1 (ALMS1 centrosome and basal body associated protein; plus strand). Cytogenetic location: 2p13.1.
Variant type: single nucleotide variant.
Coding change: c.5006G>A on transcript NM_001378454.1 (MANE Select); coding-DNA position 5006, G replaced by A.
Protein change: p.Gly1669Glu; replaces glycine 1669 with glutamic acid.
Molecular consequence: missense variant.
Genome position (GRCh38, 1-based): chr2:73,451,533, G>A. VCF-style: chr2-73451533-G-A. GRCh37 (hg19) VCF-style: chr2-73678660-G-A.
Other names: c.5009G>A, p.Gly1670Glu (NM_015120.4); short protein forms G1670E, G1669E.
Identifiers: ClinVar variation 2626186 (VCV002626186.2), dbSNP rs267599447, ClinGen allele CA50396176.